The following is an entry in ClinVar:

ClinVar aggregate classification (germline): Uncertain significance (1 of 4 stars; one submission).

Conditions:
Developmental and epileptic encephalopathy, 9 (DEE9). Also called: JUBERG-HELLMAN SYNDROME; Early infantile epileptic encephalopathy 9; PCDH19-Related X-Linked Female-Limited Epilepsy with Mental Retardation; EPILEPSY, FEMALE-RESTRICTED, WITH MENTAL RETARDATION. Identifiers: Orphanet 101039, Orphanet 2076, MedGen C1848137, MONDO:0010246, OMIM 300088. Disease mechanism: loss of function.

Submission:

Labcorp Genetics (formerly Invitae), Labcorp
Classification: Uncertain significance for Developmental and epileptic encephalopathy, 9. Last evaluated: 2025-01-08. Review status: criteria provided, single submitter. Criteria: Invitae Variant Classification Sherloc (09022015). Collection method: clinical testing. Allele origin: germline.
Comment: This sequence change falls in intron 4 of the PCDH19 gene. It does not directly change the encoded amino acid sequence of the PCDH19 protein. It affects a nucleotide within the consensus splice site. This variant is not present in population databases (gnomAD no frequency). This variant has not been reported in the literature in individuals affected with PCDH19-related conditions. Experimental studies and prediction algorithms are not available or were not evaluated, and the functional significance of this variant is currently unknown. Variants that disrupt the consensus splice site are a relatively common cause of aberrant splicing (PMID: 17576681, 9536098). Algorithms developed to predict the effect of sequence changes on RNA splicing suggest that this variant is not likely to affect RNA splicing. In summary, the available evidence is currently insufficient to determine the role of this variant in disease. Therefore, it has been classified as a Variant of Uncertain Significance.

Literature cited by the submitters: PubMed 17576681; PubMed 9536098.

NM_001184880.2(PCDH19):c.2675+5G>C

Gene: PCDH19 (protocadherin 19; minus strand). Cytogenetic location: Xq22.1.
Variant type: single nucleotide variant.
Coding change: c.2675+5G>C on transcript NM_001184880.2 (MANE Select); 5 bases into the intron after coding-DNA position 2675, G replaced by C.
Molecular consequence: intron variant.
Genome position (GRCh38, 1-based): chrX:100,350,641, C>G on the plus strand (G>C on the coding strand, the complement: PCDH19 is on the minus strand). VCF-style: chrX-100350641-C-G. GRCh37 (hg19) VCF-style: chrX-99605639-C-G.
Other names: c.2534+5G>C (NM_001105243.2, NM_020766.3).
Identifiers: ClinVar variation 3728698 (VCV003728698.2).